The following is an entry in ClinVar:

NM_016038.4(SBDS):c.119G>A (p.Arg40Gln)

Gene: SBDS (SBDS ribosome maturation factor; minus strand). Cytogenetic location: 7q11.21.
Variant type: single nucleotide variant.
Coding change: c.119G>A on transcript NM_016038.4 (MANE Select); coding-DNA position 119, G replaced by A.
Protein change: p.Arg40Gln; replaces arginine 40 with glutamine.
Molecular consequence: missense variant.
Genome position (GRCh38, 1-based): chr7:66,995,299, C>T on the plus strand (G>A on the coding strand, the complement: SBDS is on the minus strand). VCF-style: chr7-66995299-C-T. GRCh37 (hg19) VCF-style: chr7-66460286-C-T.
Other names: short protein forms R40Q.
Identifiers: ClinVar variation 4630219 (VCV004630219.1).

ClinVar aggregate classification (germline): Uncertain significance (1 of 4 stars; one submission).

Conditions:
Inborn genetic diseases. Identifiers: MedGen C0950123, MeSH D030342.

gnomAD v4.1: 1 of 1,613,878 alleles (0.000062%); no homozygotes.

Submission:

Ambry Genetics
Classification: Uncertain significance for Inborn genetic diseases. Last evaluated: 2025-10-01. Review status: criteria provided, single submitter. Criteria: Ambry Variant Classification Scheme 2023. Collection method: clinical testing. Allele origin: germline.
Comment: The p.R40Q variant (also known as c.119G>A), located in coding exon 1 of the SBDS gene, results from a G to A substitution at nucleotide position 119. The arginine at codon 40 is replaced by glutamine, an amino acid with highly similar properties. This amino acid position is conserved. In addition, this alteration is predicted to be deleterious by in silico analysis. Based on the available evidence, the clinical significance of this variant remains unclear.